The following is an entry in ClinVar:

NM_006254.4(PRKCD):c.413A>G (p.Lys138Arg)

Gene: PRKCD (protein kinase C delta; plus strand). Cytogenetic location: 3p21.1.
Variant type: single nucleotide variant.
Coding change: c.413A>G on transcript NM_006254.4 (MANE Select); coding-DNA position 413, A replaced by G.
Protein change: p.Lys138Arg; replaces lysine 138 with arginine.
Molecular consequence: missense variant.
Genome position (GRCh38, 1-based): chr3:53,181,480, A>G. VCF-style: chr3-53181480-A-G. GRCh37 (hg19) VCF-style: chr3-53215496-A-G.
Other names: c.413A>G, p.Lys138Arg (NM_001316327.2, NM_001354679.2, NM_001354680.2 and 1 more transcripts); c.470A>G, p.Lys157Arg (NM_001354676.2); c.461A>G, p.Lys154Arg (NM_001354678.2); short protein forms K154R, K138R, K157R.
Identifiers: ClinVar variation 3218768 (VCV003218768.3), dbSNP rs782626105, ClinGen allele CA2451792.

ClinVar aggregate classification (germline): Uncertain significance. Review status: criteria provided, multiple submitters, no conflicts (2 of 4 stars). 2 submissions from 2 submitters: Uncertain significance (2). Last evaluated 2024-07-17.

Conditions:
Inborn genetic diseases. Identifiers: MedGen C0950123, MeSH D030342.
Autoimmune lymphoproliferative syndrome, type III caused by mutation in PRKCD. Identifiers: Orphanet 3261, Orphanet 664711, MedGen C3809928, MONDO:8000024, OMIM 615559.

Allele frequency attached by ClinVar (database versions not stated): gnomAD exomes 0.00001; ExAC 0.00002; gnomAD 0.00002; TOPMed 0.00004.
gnomAD v4.1: 6 of 1,614,082 alleles (0.00037%); highest among the groups gnomAD compares: East Asian, 0.0067%; no homozygotes.

Submissions (2):

Labcorp Genetics (formerly Invitae), Labcorp
Classification: Uncertain significance for Autoimmune lymphoproliferative syndrome, type III caused by mutation in PRKCD. Last evaluated: 2024-07-17. Review status: criteria provided, single submitter. Criteria: Invitae Variant Classification Sherloc (09022015). Collection method: clinical testing. Allele origin: germline.
Comment: This sequence change replaces lysine, which is basic and polar, with arginine, which is basic and polar, at codon 138 of the PRKCD protein (p.Lys138Arg). This variant is present in population databases (rs782626105, gnomAD 0.03%). This variant has not been reported in the literature in individuals affected with PRKCD-related conditions. An algorithm developed to predict the effect of missense changes on protein structure and function (PolyPhen-2) suggests that this variant is likely to be tolerated. In summary, the available evidence is currently insufficient to determine the role of this variant in disease. Therefore, it has been classified as a Variant of Uncertain Significance.

Ambry Genetics
Classification: Uncertain significance for Inborn genetic diseases. Last evaluated: 2023-11-21. Review status: criteria provided, single submitter. Criteria: Ambry Variant Classification Scheme 2023. Collection method: clinical testing. Allele origin: germline.